The following is an entry in ClinVar:

NC_000002.11:g.(?_215593394)_(215634042_?)dup

Genes: BARD1 (BRCA1 associated RING domain 1; minus strand), LOC129935541 (ATAC-STARR-seq lymphoblastoid active region 17071; plus strand), LOC129935540 (ATAC-STARR-seq lymphoblastoid active region 17070; plus strand). Cytogenetic location: 2q35.
Variant type: Duplication.
Identifiers: ClinVar variation 583721 (VCV000583721.2).

ClinVar aggregate classification (germline): Uncertain significance (1 of 4 stars; one submission).

Conditions:
Familial cancer of breast. Also called: Hereditary breast cancer; hereditary breast carcinoma; BREAST CANCER, FAMILIAL. Identifiers: Orphanet 227535, MedGen C0346153, MONDO:0016419, OMIM 114480. Disease mechanism: loss of function.

Submission:

Labcorp Genetics (formerly Invitae), Labcorp
Classification: Uncertain significance for Familial cancer of breast. Last evaluated: 2018-03-13. Review status: criteria provided, single submitter. Criteria: Invitae Variant Classification Sherloc (09022015). Collection method: clinical testing. Allele origin: germline.
Comment: This variant is a gross duplication of the genomic region encompassing exons 5-11 of the BARD1 gene. The 5' boundary is likely confined to intron 4. The 3' end of this event is unknown as it extends beyond the assayed region for this gene and therefore may encompass additional genes. The exact location of this variant in the genome is unknown. Gross duplications have not been reported in the literature in individuals with BARD1-related disease Experimental studies and prediction algorithms are not available for this variant, and the functional significance of this duplication is currently unknown. In summary, the available evidence is currently insufficient to determine the role of this variant in disease. Therefore, it has been classified as a Variant of Uncertain Significance.